The following is an entry in ClinVar:

NM_000799.4(EPO):c.409C>T (p.Arg137Trp)

Gene: EPO (erythropoietin; plus strand). Cytogenetic location: 7q22.1.
Variant type: single nucleotide variant.
Coding change: c.409C>T on transcript NM_000799.4 (MANE Select); coding-DNA position 409, C replaced by T.
Protein change: p.Arg137Trp; replaces arginine 137 with tryptophan.
Molecular consequence: missense variant.
Genome position (GRCh38, 1-based): chr7:100,722,826, C>T. VCF-style: chr7-100722826-C-T. GRCh37 (hg19) VCF-style: chr7-100320449-C-T.
Other names: short protein forms R137W.
Identifiers: ClinVar variation 2657763 (VCV002657763.24), dbSNP rs369003114, ClinGen allele CA4389540.

ClinVar aggregate classification (germline): Uncertain significance (1 of 4 stars; one submission).

Allele frequency attached by ClinVar (database versions not stated): gnomAD 0.00001; ExAC 0.00002; TOPMed 0.00003; gnomAD exomes 0.00007; ESP Exome Variant Server 0.00008.
gnomAD v4.1: 106 of 1,613,174 alleles (0.0066%); highest among the groups gnomAD compares: Middle Eastern, 0.066%; no homozygotes.

Submission:

CeGaT Center for Human Genetics Tuebingen
Classification: Uncertain significance. Last evaluated: 2023-10-01. Review status: criteria provided, single submitter. Criteria: CeGaT Center For Human Genetics Tuebingen Variant Classification Criteria Version 2. Collection method: clinical testing. Allele origin: germline. Affected: yes. Observed: 1 variant allele.
Comment: EPO: PM2